The following is an entry in ClinVar:

ClinVar aggregate classification (germline): Uncertain significance (1 of 4 stars; one submission).

gnomAD v4.1: 10 of 1,612,368 alleles (0.00062%); highest among the groups gnomAD compares: South Asian, 0.0011%; no homozygotes.

Submission:

Dasa
Classification: Uncertain significance. Last evaluated: 2026-05-14. Review status: criteria provided, single submitter. Criteria: DASA Assertion Criteria. Collection method: clinical testing. Allele origin: germline.
Comment: NM_004667.6(HERC2):c.4271C>T (p.Pro1424Leu) is a missense variant that results in the substitution of proline with leucine. This variant is rare in population databases. The currently available literature and clinical evidence are not sufficient to establish a definitive association between this variant and the reported condition. Therefore, this variant is classified as a variant of uncertain significance.

NM_004667.6(HERC2):c.4271C>T (p.Pro1424Leu)

Gene: HERC2 (HECT and RLD domain containing E3 ubiquitin protein ligase 2; minus strand). Cytogenetic location: 15q13.1.
Variant type: single nucleotide variant.
Coding change: c.4271C>T on transcript NM_004667.6 (MANE Select); coding-DNA position 4271, C replaced by T.
Protein change: p.Pro1424Leu; replaces proline 1424 with leucine.
Molecular consequence: missense variant.
Genome position (GRCh38, 1-based): chr15:28,233,744, G>A on the plus strand (C>T on the coding strand, the complement: HERC2 is on the minus strand). VCF-style: chr15-28233744-G-A. GRCh37 (hg19) VCF-style: chr15-28478890-G-A.
Other names: short protein forms P1424L.
Identifiers: ClinVar variation 5020571 (VCV005020571.1).